The following is an entry in ClinVar:

ClinVar aggregate classification (germline): Benign/Likely benign. Review status: criteria provided, multiple submitters, no conflicts (2 of 4 stars). 3 submissions from 3 submitters: Benign (2); Likely benign (1). Last evaluated 2026-06-12.

Conditions:
Seizures, benign familial infantile, 3 (BFIS3). Also called: Familial neonatal seizures; CONVULSIONS, BENIGN FAMILIAL INFANTILE, 3. Identifiers: Orphanet 140927, Orphanet 306, MedGen C1843140, MONDO:0011904, OMIM 607745.
Developmental and epileptic encephalopathy, 11 (DEE11). Also called: Early infantile epileptic encephalopathy 11. Identifiers: Orphanet 1934, MedGen C3150987, MONDO:0013388, OMIM 613721.

Allele frequency attached by ClinVar (database versions not stated): gnomAD exomes 0.00016 and 0.00006; gnomAD 0.00058 and 0.00063; TOPMed 0.00075; ExAC 0.00021; ESP Exome Variant Server 0.00108.
gnomAD v4.1: 170 of 1,607,904 alleles (0.011%); highest among the groups gnomAD compares: African/African-American, 0.22%; no homozygotes.

Submissions (3):

Women's Health and Genetics/Laboratory Corporation of America, LabCorp
Classification: Likely benign. Last evaluated: 2026-06-12. Review status: criteria provided, single submitter. Criteria: LabCorp Variant Classification Summary - May 2015. Collection method: clinical testing. Allele origin: germline.

Labcorp Genetics (formerly Invitae), Labcorp
Classification: Benign for Seizures, benign familial infantile, 3; Developmental and epileptic encephalopathy, 11. Last evaluated: 2026-01-28. Review status: criteria provided, single submitter. Criteria: Invitae Variant Classification Sherloc (09022015). Collection method: clinical testing. Allele origin: germline.

GeneDx
Classification: Benign. Last evaluated: 2013-07-11. Review status: criteria provided, single submitter. Criteria: GeneDx Variant Classification (06012015). Collection method: clinical testing. Allele origin: germline. Affected: yes.
Comment: This variant is considered likely benign or benign based on one or more of the following criteria: it is a conservative change, it occurs at a poorly conserved position in the protein, it is predicted to be benign by multiple in silico algorithms, and/or has population frequency not consistent with disease.

NM_001040142.2(SCN2A):c.2389-18A>C

Gene: SCN2A (sodium voltage-gated channel alpha subunit 2; plus strand). Cytogenetic location: 2q24.3.
Variant type: single nucleotide variant.
Coding change: c.2389-18A>C on transcript NM_001040142.2 (MANE Select); 18 bases into the intron before coding-DNA position 2389, A replaced by C.
Molecular consequence: intron variant.
Genome position (GRCh38, 1-based): chr2:165,342,278, A>C. VCF-style: chr2-165342278-A-C. GRCh37 (hg19) VCF-style: chr2-166198788-A-C.
Other names: c.2389-18A>C (NM_001040143.2, NM_001371246.1, NM_001371247.1 and 1 more transcripts).
Identifiers: ClinVar variation 139007 (VCV000139007.10), dbSNP rs376273827, ClinGen allele CA293234.
Genomic context (GRCh38, chr2:165,342,278, plus strand): 5'-GGAGTAAATTAAGTTGCTCAATAATTATTCGTGTTTCAAGAGTATTTGCTCATATAATGA[A>C]CTACACTTCTCATTTAGGTCTTCACAGGGATCTTCACAGCAGAAATGTTTCTCAAGATAA-3'